The following is an entry in ClinVar:

ClinVar aggregate classification (germline): Uncertain significance (1 of 4 stars; one submission).

Allele frequency attached by ClinVar (database versions not stated): gnomAD 0.00003; TOPMed 0.00004; ExAC 0.00005; gnomAD exomes 0.00007.
gnomAD v4.1: 108 of 1,614,088 alleles (0.0067%); highest among the groups gnomAD compares: Non-Finnish European, 0.0086%; no homozygotes.

Submission:

Labcorp Genetics (formerly Invitae), Labcorp
Classification: Uncertain significance. Last evaluated: 2025-09-07. Review status: criteria provided, single submitter. Criteria: Invitae Variant Classification Sherloc (09022015). Collection method: clinical testing. Allele origin: germline.
Comment: This sequence change replaces tyrosine, which is neutral and polar, with cysteine, which is neutral and slightly polar, at codon 449 of the ASXL1 protein (p.Tyr449Cys). This variant is present in population databases (rs778435999, gnomAD 0.007%). This variant has not been reported in the literature in individuals affected with ASXL1-related conditions. ClinVar contains an entry for this variant (Variation ID: 1924813). An algorithm developed to predict the effect of missense changes on protein structure and function outputs the following: PolyPhen-2: "Possibly Damaging". The cysteine amino acid residue is found in multiple mammalian species, which suggests that this missense change does not adversely affect protein function. In summary, the available evidence is currently insufficient to determine the role of this variant in disease. Therefore, it has been classified as a Variant of Uncertain Significance.

NM_015338.6(ASXL1):c.1346A>G (p.Tyr449Cys)

Gene: ASXL1 (ASXL transcriptional regulator 1; plus strand). Cytogenetic location: 20q11.21.
Variant type: single nucleotide variant.
Coding change: c.1346A>G on transcript NM_015338.6 (MANE Select); coding-DNA position 1346, A replaced by G.
Protein change: p.Tyr449Cys; replaces tyrosine 449 with cysteine.
Molecular consequence: missense variant.
Genome position (GRCh38, 1-based): chr20:32,433,544, A>G. VCF-style: chr20-32433544-A-G. GRCh37 (hg19) VCF-style: chr20-31021347-A-G.
Other names: c.1163A>G, p.Tyr388Cys (NM_001363734.1); short protein forms Y388C, Y449C.
Identifiers: ClinVar variation 1924813 (VCV001924813.3), dbSNP rs778435999, ClinGen allele CA9808339.